The following is an entry in ClinVar:

NM_014363.6(SACS):c.7764_7767dup (p.Val2590fs)

Gene: SACS (sacsin molecular chaperone; minus strand). Cytogenetic location: 13q12.12.
Variant type: Duplication.
Coding change: c.7764_7767dup on transcript NM_014363.6 (MANE Select); coding-DNA positions 7764 to 7767, 4 bases duplicated (TTGT; older notation c.7764_7767dupTTGT).
Protein change: p.Val2590fs; shifts the reading frame from valine 2590.
Molecular consequence: frameshift variant.
Genome position (GRCh38, 1-based): chr13:23,336,109-23,336,112, ACAA duplicated on the plus strand (TTGT on the coding strand, the reverse complement: SACS is on the minus strand); duplicating any 4 consecutive bases within chr13:23,336,109-23,336,113 gives the same sequence; the c. name uses the placement nearest the transcript's 3' end. VCF-style (leftmost placement, unchanged base first): chr13-23336108-C-CACAA. GRCh37 (hg19) VCF-style: chr13-23910247-C-CACAA.
Other names: c.7323_7326dup, p.Val2443fs (NM_001278055.2); short protein forms V2443fs, V2590fs.
Identifiers: ClinVar variation 843447 (VCV000843447.9), dbSNP rs1868567420, ClinGen allele CA916083346.

ClinVar aggregate classification (germline): Pathogenic (1 of 4 stars; one submission).

Conditions:
Spastic paraplegia. Identifiers: MedGen C0037772, HP:0001258.

Submission:

Labcorp Genetics (formerly Invitae), Labcorp
Classification: Pathogenic for Spastic paraplegia. Last evaluated: 2023-06-27. Review status: criteria provided, single submitter. Criteria: Invitae Variant Classification Sherloc (09022015). Collection method: clinical testing. Allele origin: germline.
Comment: For these reasons, this variant has been classified as Pathogenic. This variant disrupts a region of the SACS protein in which other variant(s) (p.Lys2931Asnfs*22, p.Arg3903*) have been determined to be pathogenic (PMID: 15486997, 19892370, 21745802). This suggests that this is a clinically significant region of the protein, and that variants that disrupt it are likely to be disease-causing. ClinVar contains an entry for this variant (Variation ID: 843447). This variant has not been reported in the literature in individuals affected with SACS-related conditions. This variant is not present in population databases (gnomAD no frequency). This sequence change creates a premature translational stop signal (p.Val2590Leufs*12) in the SACS gene. While this is not anticipated to result in nonsense mediated decay, it is expected to disrupt the last 1990 amino acid(s) of the SACS protein.

Literature cited by the submitters: PubMed 15486997; PubMed 19892370; PubMed 21745802.